The following is an entry in ClinVar:

NM_053025.4(MYLK):c.5224A>G (p.Arg1742Gly)

Genes: MYLK (myosin light chain kinase; minus strand), MYLK-AS1 (MYLK antisense RNA 1; plus strand). Cytogenetic location: 3q21.1.
Variant type: single nucleotide variant.
Coding change: c.5224A>G on transcript NM_053025.4 (MANE Select); coding-DNA position 5224, A replaced by G.
Protein change: p.Arg1742Gly; replaces arginine 1742 with glycine.
Molecular consequence: missense variant.
Genome position (GRCh38, 1-based): chr3:123,626,832, T>C on the plus strand (A>G on the coding strand, the complement: MYLK is on the minus strand). VCF-style: chr3-123626832-T-C. GRCh37 (hg19) VCF-style: chr3-123345679-T-C.
Other names: c.4696A>G, p.Arg1566Gly (NM_001321309.2); c.5017A>G, p.Arg1673Gly (NM_053026.4); c.5071A>G, p.Arg1691Gly (NM_053027.4); c.4864A>G, p.Arg1622Gly (NM_053028.4); short protein forms R1742G, R1622G, R1566G, R1673G, R1691G.
Identifiers: ClinVar variation 342869 (VCV000342869.6), dbSNP rs886057858, ClinGen allele CA10615089.
Genomic context (GRCh38, chr3:123,626,832, plus strand): 5'-CAAATATGAGGGGCAACATCCCAGTCCAAAGTGACCCTCTCATTACCTGCCATTTCCTTC[T>C]TGCCATGTACTTCTTCATCCGGTCCTTGGAGAGTTTCTTGGCCTCCATGTTCTTGGTATC-3'
Protein context (NP_444253.3, residues 1732-1752): SKDRMKKYMA[Arg1742Gly]RKWQKTGNAV

ClinVar aggregate classification (germline): Uncertain significance. Review status: criteria provided, multiple submitters, no conflicts (2 of 4 stars). 2 submissions from 2 submitters: Uncertain significance (2). Last evaluated 2026-03-29.

Conditions:
Familial thoracic aortic aneurysm and aortic dissection (TAAD). Also called: Thoracic aortic aneurysms and dissections. Identifiers: Orphanet 91387, MedGen C4707243, MONDO:0019625.
Aortic aneurysm, familial thoracic 7 (AAT7). Also called: AORTIC DISSECTION, FAMILIAL, WITH OR WITHOUT AORTIC ANEURYSM. Identifiers: MedGen C3151077, MONDO:0013418, OMIM 613780.

Allele frequency attached by ClinVar (database versions not stated): gnomAD exomes below 0.00001.
gnomAD v4.1: 2 of 1,614,248 alleles (0.00012%); highest among the groups gnomAD compares: Middle Eastern, 0.016%; no homozygotes.

Submissions (2):

Ambry Genetics
Classification: Uncertain significance for Familial thoracic aortic aneurysm and aortic dissection. Last evaluated: 2026-03-29. Review status: criteria provided, single submitter. Criteria: Ambry Variant Classification Scheme 2023. Collection method: clinical testing. Allele origin: germline.
Comment: The p.R1742G variant (also known as c.5224A>G), located in coding exon 28 of the MYLK gene, results from an A to G substitution at nucleotide position 5224. The arginine at codon 1742 is replaced by glycine, an amino acid with dissimilar properties. This amino acid position is conserved. In addition, the in silico prediction for this alteration is inconclusive. Based on the available evidence, the clinical significance of this variant remains unclear.

Illumina Laboratory Services, Illumina
Classification: Uncertain significance for Aortic aneurysm, familial thoracic 7. Last evaluated: 2018-01-12. Review status: criteria provided, single submitter. Criteria: ICSL Variant Classification Criteria 13 December 2019. Collection method: clinical testing. Allele origin: germline.